The following is an entry in ClinVar:

ClinVar aggregate classification (germline): Uncertain significance (1 of 4 stars; one submission).

Allele frequency attached by ClinVar (database versions not stated): gnomAD exomes below 0.00001.

Submission:

Labcorp Genetics (formerly Invitae), Labcorp
Classification: Uncertain significance. Last evaluated: 2024-08-27. Review status: criteria provided, single submitter. Criteria: Invitae Variant Classification Sherloc (09022015). Collection method: clinical testing. Allele origin: germline.
Comment: This sequence change replaces leucine, which is neutral and non-polar, with valine, which is neutral and non-polar, at codon 694 of the NLRP1 protein (p.Leu694Val). This variant is not present in population databases (gnomAD no frequency). This variant has not been reported in the literature in individuals affected with NLRP1-related conditions. An algorithm developed to predict the effect of missense changes on protein structure and function outputs the following: PolyPhen-2: "Benign". The valine amino acid residue is found in multiple mammalian species, which suggests that this missense change does not adversely affect protein function. In summary, the available evidence is currently insufficient to determine the role of this variant in disease. Therefore, it has been classified as a Variant of Uncertain Significance.

NM_033004.4(NLRP1):c.2080C>G (p.Leu694Val)

Gene: NLRP1 (NLR family pyrin domain containing 1; minus strand). Cytogenetic location: 17p13.2.
Variant type: single nucleotide variant.
Coding change: c.2080C>G on transcript NM_033004.4 (MANE Select); coding-DNA position 2080, C replaced by G.
Protein change: p.Leu694Val; replaces leucine 694 with valine.
Molecular consequence: missense variant.
Genome position (GRCh38, 1-based): chr17:5,558,616, G>C on the plus strand (C>G on the coding strand, the complement: NLRP1 is on the minus strand). VCF-style: chr17-5558616-G-C. GRCh37 (hg19) VCF-style: chr17-5461936-G-C.
Other names: c.2080C>G, p.Leu694Val (NM_014922.5, NM_033006.4, NM_033007.4 and 1 more transcripts); short protein forms L694V.
Identifiers: ClinVar variation 2849860 (VCV002849860.3), dbSNP rs2507936117, ClinGen allele CA397383123.
Genomic context (GRCh38, chr17:5,558,616, plus strand): 5'-GTGGCTGCAGCAGCAGCTGCAGGGACGGGACCCACTGCATCAGGTTCCTCCCCTGAGACA[G>C]CCGGCAGTGAAAGATGTTCTCCATCTCTCTCTCCCCCTCATCACTTAACAGGCCCAATAG-3'
Protein context (NP_127497.1, residues 684-704): REMENIFHCR[Leu694Val]SQGRNLMQWV